The following is an entry in ClinVar:

ClinVar aggregate classification (germline): Conflicting classifications of pathogenicity. Review status: criteria provided, conflicting classifications (1 of 4 stars). 12 submissions from 12 submitters: Uncertain significance (6); Likely benign (3). 3 of the submissions do not count toward it. Last evaluated 2026-01-12.

Conditions:
Connective tissue disorder. Also called: Connective tissue disease. Identifiers: MedGen C0009782, MONDO:0003900.
COL11A2-related disorder. Also called: COL11A2-related condition; COL11A2-related disorders.
Inborn genetic diseases. Identifiers: MedGen C0950123, MeSH D030342.

Allele frequency attached by ClinVar (database versions not stated): ExAC 0.00003; gnomAD 0.00004 and 0.00005; TOPMed 0.00005; 1000 Genomes Project 30x 0.00016; 1000 Genomes Project 0.00020.
gnomAD v4.1: 55 of 1,613,030 alleles (0.0034%); highest among the groups gnomAD compares: East Asian, 0.02%; 1 homozygote.

Submissions (12):

Labcorp Genetics (formerly Invitae), Labcorp
Classification: Likely benign. Last evaluated: 2026-01-12. Review status: criteria provided, single submitter. Criteria: Invitae Variant Classification Sherloc (09022015). Collection method: clinical testing. Allele origin: germline.

Women's Health and Genetics/Laboratory Corporation of America, LabCorp
Classification: Uncertain significance. Last evaluated: 2025-11-05. Review status: criteria provided, single submitter. Criteria: LabCorp Variant Classification Summary - May 2015. Collection method: clinical testing. Allele origin: germline.
Comment: Variant summary: COL11A2 c.544G>A (p.Val182Ile) results in a conservative amino acid change in the encoded protein sequence. Algorithms developed to predict the effect of missense changes on protein structure and function all suggest that this variant is likely to be tolerated. The variant allele was found at a frequency of 4.9e-05 in 246594 control chromosomes in the gnomAD database, including 1 homozygote. This frequency is not significantly higher than estimated for disease-causing variants in COL11A2, allowing no conclusion about variant significance. To our knowledge, no occurrence of c.544G>A in individuals affected with COL11A2-related conditions and no experimental evidence demonstrating its impact on protein function have been reported. ClinVar contains an entry for this variant (Variation ID: 547213). Based on the evidence outlined above, the variant was classified as uncertain significance.

Ambry Genetics
Classification: Uncertain significance for Inborn genetic diseases. Last evaluated: 2025-03-27. Review status: criteria provided, single submitter. Criteria: Ambry Variant Classification Scheme 2023. Collection method: clinical testing. Allele origin: germline.

Blueprint Genetics
Classification: Likely benign. Last evaluated: 2024-11-25. Review status: criteria provided, single submitter. Criteria: ACMG Guidelines, 2015. Collection method: clinical testing. Allele origin: germline.

ARUP Laboratories, Molecular Genetics and Genomics, ARUP Laboratories
Classification: Uncertain significance. Last evaluated: 2023-05-30. Review status: criteria provided, single submitter. Criteria: ARUP Molecular Germline Variant Investigation Process 2024. Collection method: clinical testing. Allele origin: germline.
Comment: The COL11A2 c.544G>A; p.Val182Ile variant (rs375937729), to our knowledge, is not reported in the medical literature but is reported in ClinVar (Variation ID: 547213). This variant is found in the East Asian population with an allele frequency of 0.05% (9/18274 alleles, including 1 homozygote) in the Genome Aggregation Database. Computational analyses predict that this variant is neutral (REVEL: 0.06). However, given the lack of clinical and functional data, the significance of this variant is uncertain at this time.

Revvity Omics, Revvity
Classification: Uncertain significance. Last evaluated: 2021-12-06. Review status: criteria provided, single submitter. Criteria: ACMG Guidelines, 2015. Collection method: clinical testing. Allele origin: germline.

GeneDx
Classification: Uncertain significance. Last evaluated: 2020-06-26. Review status: criteria provided, single submitter. Criteria: GeneDx Variant Classification Process June 2021. Collection method: clinical testing. Allele origin: germline. Affected: yes.
Comment: Has not been previously published as pathogenic or benign to our knowledge; In silico analysis supports that this missense variant does not alter protein structure/function

Laboratory for Molecular Medicine, Mass General Brigham Personalized Medicine
Classification: Uncertain significance. Last evaluated: 2018-04-25. Review status: criteria provided, single submitter. Criteria: LMM Criteria. Collection method: clinical testing. Allele origin: germline. Observed: 1 variant allele.
Comment: Variant classified as Uncertain Significance - Favor Benign. The p.Val182Ile var iant in COL11A2 has not been previously reported in individuals with hearing los s or COL11A2-related syndromes. This variant has been identified in 8/17130 East Asian chromosomes, including one homozygous individual, by the Genome Aggregati on Database (gnomAD; dbSNP rs375937729). Altho ugh this variant has been seen in the general population, its frequency is not h igh enough to rule out a pathogenic role. The valine (Val) at position 182 is no t highly conserved in mammals and evolutionary distant species, and two mammals (opossum and tasmanian devil) carry an isoleucine (Ile) at this position, which suggests that a change at this position may be tolerated. Additional computation al prediction tools and conservation analysis suggest that the p.Val182Ile varia nt may not impact the protein, though this information is not predictive enough to rule out pathogenicity. In summary, while the clinical significance of the p. Val182Ile variant is uncertain, the frequency and conservation data suggest that it is more likely to be benign. ACMG/AMP Criteria applied: BP4

Center for Human Genetics, Inc
Classification: Likely benign for Connective tissue disorder. Last evaluated: 2016-11-01. Review status: criteria provided, single submitter. Criteria: ACMG Guidelines, 2015. Collection method: clinical testing. Allele origin: germline. Affected: yes.

PreventionGenetics, part of Exact Sciences
Classification: Uncertain significance for COL11A2-related condition. Last evaluated: 2024-04-30. Review status: no assertion criteria provided. Collection method: clinical testing. Allele origin: germline. Not counted in ClinVar's aggregate classification.
Comment: The COL11A2 c.544G>A variant is predicted to result in the amino acid substitution p.Val182Ile. To our knowledge, this variant has not been reported in the literature. This variant is reported in 0.049% of alleles in individuals of East Asian descent in gnomAD. At this time, the clinical significance of this variant is uncertain due to the absence of conclusive functional and genetic evidence.

Clinical Genetics DNA and cytogenetics Diagnostics Lab, Erasmus MC, Erasmus Medical Center
Classification: Likely benign. Review status: no assertion criteria provided. Collection method: clinical testing. Allele origin: germline. Affected: yes. Study: VKGL Data-share Consensus. Not counted in ClinVar's aggregate classification.

Genome Diagnostics Laboratory, University Medical Center Utrecht
Classification: Likely benign. Review status: no assertion criteria provided. Collection method: clinical testing. Allele origin: germline. Affected: yes. Study: VKGL Data-share Consensus. Not counted in ClinVar's aggregate classification.

NM_080680.3(COL11A2):c.544G>A (p.Val182Ile)

Gene: COL11A2 (collagen type XI alpha 2 chain; minus strand). Cytogenetic location: 6p21.32.
Variant type: single nucleotide variant.
Coding change: c.544G>A on transcript NM_080680.3 (MANE Select); coding-DNA position 544, G replaced by A.
Protein change: p.Val182Ile; replaces valine 182 with isoleucine.
Molecular consequence: missense variant.
Genome position (GRCh38, 1-based): chr6:33,188,424, C>T on the plus strand (G>A on the coding strand, the complement: COL11A2 is on the minus strand). VCF-style: chr6-33188424-C-T. GRCh37 (hg19) VCF-style: chr6-33156201-C-T.
Other names: c.544G>A, p.Val182Ile (NM_001163771.2, NM_080679.3, NM_080681.3); short protein forms V182I.
Identifiers: ClinVar variation 547213 (VCV000547213.25), dbSNP rs375937729, ClinGen allele CA3751639.